The following is an entry in ClinVar:

NM_005005.3(NDUFB9):c.311dup (p.Leu104fs)

Gene: NDUFB9 (NADH:ubiquinone oxidoreductase subunit B9; plus strand). Cytogenetic location: 8q24.13.
Variant type: Duplication.
Coding change: c.311dup on transcript NM_005005.3 (MANE Select); coding-DNA position 311, one base duplicated (T; older notation c.311dupT).
Protein change: p.Leu104fs; shifts the reading frame from leucine 104.
Molecular consequence: frameshift variant.
Genome position (GRCh38, 1-based): chr8:124,547,016, T duplicated; the last of 2 consecutive T bases (chr8:124,547,015-124,547,016); duplicating either gives the same sequence. VCF-style (leftmost placement, unchanged base first): chr8-124547014-C-CT. GRCh37 (hg19) VCF-style: chr8-125559255-C-CT.
Other names: c.143dup, p.Leu48fs (NM_001278645.2); c.182dup, p.Leu61fs (NM_001278646.2); c.278dup, p.Leu93fs (NM_001311168.2); short protein forms L61fs, L104fs, L48fs, L93fs.
Identifiers: ClinVar variation 1395438 (VCV001395438.6), dbSNP rs2131612345, ClinGen allele CA2573142849.

ClinVar aggregate classification (germline): Uncertain significance (1 of 4 stars; one submission).

Submission:

Labcorp Genetics (formerly Invitae), Labcorp
Classification: Uncertain significance. Last evaluated: 2022-11-15. Review status: criteria provided, single submitter. Criteria: Invitae Variant Classification Sherloc (09022015). Collection method: clinical testing. Allele origin: germline.
Comment: In summary, the available evidence is currently insufficient to determine the role of this variant in disease. Therefore, it has been classified as a Variant of Uncertain Significance. ClinVar contains an entry for this variant (Variation ID: 1395438). This variant has not been reported in the literature in individuals affected with NDUFB9-related conditions. This variant is not present in population databases (gnomAD no frequency). This sequence change creates a premature translational stop signal (p.Leu104Phefs*3) in the NDUFB9 gene. It is expected to result in an absent or disrupted protein product. However, the current clinical and genetic evidence is not sufficient to establish whether loss-of-function variants in NDUFB9 cause disease.